The following is an entry in ClinVar:

NM_003954.5(MAP3K14):c.193G>A (p.Gly65Ser)

Gene: MAP3K14 (mitogen-activated protein kinase kinase kinase 14; minus strand). Cytogenetic location: 17q21.31.
Variant type: single nucleotide variant.
Coding change: c.193G>A on transcript NM_003954.5 (MANE Select); coding-DNA position 193, G replaced by A.
Protein change: p.Gly65Ser; replaces glycine 65 with serine.
Molecular consequence: missense variant.
Genome position (GRCh38, 1-based): chr17:45,290,553, C>T on the plus strand (G>A on the coding strand, the complement: MAP3K14 is on the minus strand). VCF-style: chr17-45290553-C-T. GRCh37 (hg19) VCF-style: chr17-43367919-C-T.
Other names: short protein forms G65S.
Identifiers: ClinVar variation 1474593 (VCV001474593.3), dbSNP rs2143830361, ClinGen allele CA399892082.

ClinVar aggregate classification (germline): Uncertain significance (1 of 4 stars; one submission).

Conditions:
NIK deficiency. Also called: Primary immunodeficiency with multifaceted aberrant lymphoid immunity. Identifiers: Orphanet 447731, MedGen C5680065, MONDO:0018642.

Submission:

Labcorp Genetics (formerly Invitae), Labcorp
Classification: Uncertain significance for NIK deficiency. Last evaluated: 2021-01-09. Review status: criteria provided, single submitter. Criteria: Invitae Variant Classification Sherloc (09022015). Collection method: clinical testing. Allele origin: germline.
Comment: This sequence change replaces glycine with serine at codon 65 of the MAP3K14 protein (p.Gly65Ser). The glycine residue is highly conserved and there is a small physicochemical difference between glycine and serine. This variant is not present in population databases (ExAC no frequency). This variant has not been reported in the literature in individuals with MAP3K14-related conditions. Experimental studies and prediction algorithms are not available or were not evaluated, and the functional significance of this variant is currently unknown. In summary, the available evidence is currently insufficient to determine the role of this variant in disease. Therefore, it has been classified as a Variant of Uncertain Significance.